The following is an entry in ClinVar:

ClinVar aggregate classification (germline): Pathogenic (1 of 4 stars; one submission).

Conditions:
Severe combined immunodeficiency disease. Also called: Severe combined immunodeficiency; Severe Combined Immune Deficiency. Identifiers: Orphanet 183660, MedGen C0085110, MeSH D016511, MONDO:0015974, HP:0004430. Inheritance: X-Linked or Autosomal recessive.

Submission:

Women's Health and Genetics/Laboratory Corporation of America, LabCorp
Classification: Pathogenic for Severe combined immunodeficiency disease. Last evaluated: 2022-09-02. Review status: criteria provided, single submitter. Criteria: LabCorp Variant Classification Summary - May 2015. Collection method: clinical testing. Allele origin: germline.
Comment: Variant summary: The variant identified by MLPA or other technology involves the deletion of exons 1-2 in the DOCK8 gene. A presumed nomenclature of c.(?_-113)_(156+1_157-1)del has been designated for the purposes of this classification. Although exact breakpoints of this deletion are not known, it is expected to result in loss of start codon in the DOCK8 gene, a known mechanism of disease. The variant was absent in 21590 control chromosomes. c.(?_-113)_(156+1_157-1)del has been reported in the literature in multiple individuals affected with Severe Combined Immunodeficiency. These data indicate that the variant is very likely to be associated with disease. At least one publication reports experimental evidence evaluating an impact on protein function and showed that no mRNA was detected in the patient carrying homozygous Ex1-2del. No clinical diagnostic laboratories have submitted clinical-significance assessments for this variant to ClinVar after 2014. Based on the evidence outlined above, the variant was classified as pathogenic.

Literature cited by the submitters: PubMed 25724123; PubMed 30697212.

NC_000009.11:g.(?_214864)_(271730_286460)del

Genes: DOCK8 (dedicator of cytokinesis 8; plus strand), DOCK8-AS1 (DOCK8 antisense RNA 1; minus strand). Cytogenetic location: 9p24.3.
Variant type: Deletion.
Identifiers: ClinVar variation 1722489 (VCV001722489.1).